The following is an entry in ClinVar:

NM_153704.6(TMEM67):c.2009C>T (p.Thr670Ile)

Gene: TMEM67 (transmembrane protein 67; plus strand). Cytogenetic location: 8q22.1.
Variant type: single nucleotide variant.
Coding change: c.2009C>T on transcript NM_153704.6 (MANE Select); coding-DNA position 2009, C replaced by T.
Protein change: p.Thr670Ile; replaces threonine 670 with isoleucine.
Molecular consequence: missense variant. On other transcripts: non-coding transcript variant (1).
Genome position (GRCh38, 1-based): chr8:93,797,379, C>T. VCF-style: chr8-93797379-C-T. GRCh37 (hg19) VCF-style: chr8-94809607-C-T.
Other names: c.1766C>T, p.Thr589Ile (NM_001142301.1); short protein forms T589I, T670I.
Identifiers: ClinVar variation 497917 (VCV000497917.18), dbSNP rs370004832, ClinGen allele CA4808176.
Genomic context (GRCh38, chr8:93,797,379, plus strand): 5'-TTTCCTGACCAGGTGAGGGTGGTGTACGAAGTGCCACTGTTCCTGTAAGCATATGGAGAA[C>T]ATATTTTGTAGCAAATGAATGGAATGAAATTCAGACTGTGAGAAAAATTAATTCACTCTT-3'
Protein context (NP_714915.3, residues 660-680): SATVPVSIWR[Thr670Ile]YFVANEWNEI

ClinVar aggregate classification (germline): Uncertain significance. Review status: criteria provided, multiple submitters, no conflicts (2 of 4 stars). 9 submissions from 9 submitters: Uncertain significance (9). Last evaluated 2026-02-26.

Conditions:
TMEM67-related disorder. Also called: TMEM67-related disorders; TMEM67-related condition. Identifiers: MedGen CN239423.
COACH syndrome 1. Identifiers: Orphanet 1454, MedGen C5435651, MONDO:0800103, OMIM 216360, MONDO:0008996.
Nephronophthisis 11 (NPHP11). Identifiers: Orphanet 84081, MedGen C3150796, MONDO:0013302, OMIM 613550.
Bardet-Biedl syndrome 14 (BBS14). Identifiers: Orphanet 110, MedGen C2673874, MONDO:0014442, OMIM 615991.
Joubert syndrome 6 (JBTS6). Identifiers: Orphanet 475, MedGen C1853153, MONDO:0012539, OMIM 610688.
RHYNS syndrome. Also called: RETINITIS PIGMENTOSA SYNDROME; RETINITIS PIGMENTOSA, HYPOPITUITARISM, NEPHRONOPHTHISIS, AND MILD SKELETAL DYSPLASIA. Identifiers: Orphanet 140976, MedGen C1865794, MONDO:0011202, OMIM 602152.
Meckel syndrome, type 3 (MKS3). Also called: MECKEL-GRUBER SYNDROME, TYPE 3. Identifiers: Orphanet 564, MedGen C1846357, MONDO:0011821, OMIM 607361.
Meckel-Gruber syndrome. Also called: DYSENCEPHALIA SPLANCHNOCYSTICA; GRUBER SYNDROME; Dysencephalia splachnocystica. Identifiers: Orphanet 564, MedGen C0265215, MONDO:0018921.
Joubert syndrome. Also called: JOUBERT-BOLTSHAUSER SYNDROME; Familial aplasia of the vermis. Identifiers: Orphanet 475, MedGen C5979921, MONDO:0018772.

Allele frequency attached by ClinVar (database versions not stated): gnomAD exomes 0.00012 and 0.00018; TOPMed 0.00013; ESP Exome Variant Server 0.00015; gnomAD 0.00015 and 0.00016; ExAC 0.00019.
gnomAD v4.1: 209 of 1,614,020 alleles (0.013%); highest among the groups gnomAD compares: Middle Eastern, 0.12%; no homozygotes.

Submissions (9):

PreventionGenetics, part of Exact Sciences
Classification: Uncertain significance for TMEM67-related condition. Last evaluated: 2026-02-26. Review status: criteria provided, single submitter. Criteria: ACMG Guidelines, 2015. Collection method: clinical testing. Allele origin: germline.
Comment: The TMEM67 c.2009C>T variant is predicted to result in the amino acid substitution p.Thr670Ile. This variant has been reported in an individual with Senior-Loken syndrome (Otto et al. 2010. PubMed ID: 21068128) and in the homozygous state in two individuals with nephronophthisis (supplementary data, Petzold et al. 2023. PubMed ID: 37230223). However, this variant is reported in 0.078% of alleles in individuals of South Asian descent in gnomAD, which may be too common to be causative. Although we suspect that this variant may be benign, at this time, the clinical significance of this variant is uncertain due to the absence of conclusive functional and genetic evidence.

Blueprint Genetics
Classification: Uncertain significance. Last evaluated: 2024-11-18. Review status: criteria provided, single submitter. Criteria: ACMG Guidelines, 2015. Collection method: clinical testing. Allele origin: germline.

Fulgent Genetics
Classification: Uncertain significance for COACH syndrome 1; RHYNS syndrome; Meckel syndrome, type 3; Joubert syndrome 6; Nephronophthisis 11; Bardet-Biedl syndrome 14. Last evaluated: 2024-01-13. Review status: criteria provided, single submitter. Criteria: ACMG Guidelines, 2015. Collection method: clinical testing. Allele origin: germline.

GeneDx
Classification: Uncertain significance. Last evaluated: 2023-06-22. Review status: criteria provided, single submitter. Criteria: GeneDx Variant Classification Process June 2021. Collection method: clinical testing. Allele origin: germline. Affected: yes.
Comment: In silico analysis supports that this missense variant has a deleterious effect on protein structure/function; Reported in the heterozygous state in a patient with features of a severe nephronophthisis associated ciliopathy in published literature (Otto et al., 2011); This variant is associated with the following publications: (PMID: 21068128)

Labcorp Genetics (formerly Invitae), Labcorp
Classification: Uncertain significance for Joubert syndrome; Meckel-Gruber syndrome. Last evaluated: 2022-08-31. Review status: criteria provided, single submitter. Criteria: Invitae Variant Classification Sherloc (09022015). Collection method: clinical testing. Allele origin: germline.
Comment: This sequence change replaces threonine, which is neutral and polar, with isoleucine, which is neutral and non-polar, at codon 670 of the TMEM67 protein (p.Thr670Ile). This variant is present in population databases (rs370004832, gnomAD 0.09%). This missense change has been observed in individual(s) with Senior-Loken syndrome (PMID: 21068128). ClinVar contains an entry for this variant (Variation ID: 497917). Advanced modeling of protein sequence and biophysical properties (such as structural, functional, and spatial information, amino acid conservation, physicochemical variation, residue mobility, and thermodynamic stability) performed at Invitae indicates that this missense variant is expected to disrupt TMEM67 protein function. In summary, the available evidence is currently insufficient to determine the role of this variant in disease. Therefore, it has been classified as a Variant of Uncertain Significance.

Department of Pathology and Laboratory Medicine, Sinai Health System
Classification: Uncertain significance for COACH syndrome 1; RHYNS syndrome; Meckel syndrome, type 3; Joubert syndrome 6; Nephronophthisis 11; Bardet-Biedl syndrome 14. Last evaluated: 2022-08-03. Review status: criteria provided, single submitter. Criteria: ACMG Guidelines, 2015. Collection method: research. Allele origin: germline.

Baylor Genetics
Classification: Uncertain significance for COACH syndrome 1. Last evaluated: 2020-01-16. Review status: criteria provided, single submitter. Criteria: ACMG Guidelines, 2015. Collection method: clinical testing. Allele origin: unknown. Affected: yes.
Comment: This variant was determined to be of uncertain significance according to ACMG Guidelines, 2015 [PMID:25741868].

Eurofins Ntd Llc (ga)
Classification: Uncertain significance. Last evaluated: 2016-11-10. Review status: criteria provided, single submitter. Criteria: EGL Classification Definitions 2015. Collection method: clinical testing. Allele origin: germline. Observed: 1 variant allele, 1 heterozygote.

Breakthrough Genomics
Classification: Uncertain significance. Review status: criteria provided, single submitter. Criteria: ACMG Guidelines, 2015. Collection method: not provided. Allele origin: germline. Inheritance: Autosomal recessive inheritance. Affected: yes.

Literature cited by the submitters: PubMed 21068128 (cited by Labcorp Genetics (formerly Invitae), Labcorp).